The following is an entry in ClinVar:

NM_001323289.2(CDKL5):c.920C>T (p.Pro307Leu)

Gene: CDKL5 (cyclin dependent kinase like 5; plus strand). Cytogenetic location: Xp22.13.
Variant type: single nucleotide variant.
Coding change: c.920C>T on transcript NM_001323289.2 (MANE Select); coding-DNA position 920, C replaced by T.
Protein change: p.Pro307Leu; replaces proline 307 with leucine.
Molecular consequence: missense variant.
Genome position (GRCh38, 1-based): chrX:18,598,556, C>T. VCF-style: chrX-18598556-C-T. GRCh37 (hg19) VCF-style: chrX-18616676-C-T.
Other names: c.920C>T, p.Pro307Leu (NM_001037343.2, NM_003159.3); short protein forms P307L.
Identifiers: ClinVar variation 4789423 (VCV004789423.1).

ClinVar aggregate classification (germline): Uncertain significance (1 of 4 stars; one submission).

Conditions:
Angelman syndrome-like. Identifiers: MedGen CN128785.
Developmental and epileptic encephalopathy, 2 (DEE2). Also called: INFANTILE SPASM SYNDROME, X-LINKED 2; CDKL5 deficiency disorder. Identifiers: Orphanet 1934, Orphanet 3451, Orphanet 505652, MedGen C4750718, MONDO:0010396, OMIM 300672.

Submission:

Labcorp Genetics (formerly Invitae), Labcorp
Classification: Uncertain significance for Developmental and epileptic encephalopathy, 2; Angelman syndrome-like. Last evaluated: 2025-05-11. Review status: criteria provided, single submitter. Criteria: Invitae Variant Classification Sherloc (09022015). Collection method: clinical testing. Allele origin: germline.
Comment: This sequence change replaces proline, which is neutral and non-polar, with leucine, which is neutral and non-polar, at codon 307 of the CDKL5 protein (p.Pro307Leu). This variant is not present in population databases (gnomAD no frequency). This variant has not been reported in the literature in individuals affected with CDKL5-related conditions. Invitae Evidence Modeling of protein sequence and biophysical properties (such as structural, functional, and spatial information, amino acid conservation, physicochemical variation, residue mobility, and thermodynamic stability) indicates that this missense variant is expected to disrupt CDKL5 protein function with a positive predictive value of 80%. In summary, the available evidence is currently insufficient to determine the role of this variant in disease. Therefore, it has been classified as a Variant of Uncertain Significance.